The following is an entry in ClinVar:

NM_000492.4(CFTR):c.579+4del

Gene: CFTR (CF transmembrane conductance regulator; plus strand). Cytogenetic location: 7q31.2.
Variant type: Deletion.
Coding change: c.579+4del on transcript NM_000492.4 (MANE Select); 4 bases into the intron after coding-DNA position 579, one base deleted (T; older notation c.579+4delT).
Molecular consequence: intron variant.
Genome position (GRCh38, 1-based): chr7:117,534,369, T deleted. VCF-style (leftmost placement, unchanged base first): chr7-117534368-AT-A. GRCh37 (hg19) VCF-style: chr7-117174422-AT-A.
Identifiers: ClinVar variation 1163868 (VCV001163868.6), dbSNP rs745591601, ClinGen allele CA4450759.

ClinVar aggregate classification (germline): Uncertain significance. Review status: criteria provided, multiple submitters, no conflicts (2 of 4 stars). 2 submissions from 2 submitters: Uncertain significance (2). Last evaluated 2023-09-18.

Allele frequency attached by ClinVar (database versions not stated): gnomAD exomes below 0.00001; ExAC 0.00001; gnomAD 0.00001; ESP Exome Variant Server 0.00008.

Submissions (2):

Women's Health and Genetics/Laboratory Corporation of America, LabCorp
Classification: Uncertain significance. Last evaluated: 2023-09-18. Review status: criteria provided, single submitter. Criteria: LabCorp Variant Classification Summary - May 2015. Collection method: clinical testing. Allele origin: germline.
Comment: Variant summary: CFTR c.579+4delT alters a non-conserved nucleotide located close to a canonical splice site and therefore could affect mRNA splicing, leading to a significantly altered protein sequence. Several computational tools predict a significant impact on normal splicing: Four predict the variant abolishes a 5' splicing donor site. However, these predictions have yet to be confirmed by functional studies. The variant allele was found at a frequency of 4e-06 in 249988 control chromosomes. c.579+4delT has been reported in the literature in individuals affected with Cystic Fibrosis (Raraigh_2022, Schrijver_2016). These data indicate that the variant may be associated with disease. To our knowledge, no experimental evidence demonstrating an impact on protein function has been reported. The following publications have been ascertained in the context of this evaluation (PMID: 34782259, 26708955). One submitter has cited clinical-significance assessments for this variant to ClinVar after 2014 and has classified the variant as uncertain significance. Based on the evidence outlined above, the variant was classified as VUS-possibly pathogenic.

Mayo Clinic Laboratories, Mayo Clinic
Classification: Uncertain significance. Last evaluated: 2020-04-16. Review status: criteria provided, single submitter. Criteria: ACMG Guidelines, 2015. Collection method: clinical testing. Allele origin: germline. Observed: 1 variant allele.

Literature cited by the submitters: PubMed 26708955 (cited by Women's Health and Genetics/Laboratory Corporation of America, LabCorp); PubMed 34782259 (cited by Women's Health and Genetics/Laboratory Corporation of America, LabCorp).